The following is an entry in ClinVar:

NM_001710.6(CFB):c.1538G>A (p.Gly513Glu)

Gene: CFB (complement factor B; plus strand). Cytogenetic location: 6p21.33.
Variant type: single nucleotide variant.
Coding change: c.1538G>A on transcript NM_001710.6 (MANE Select); coding-DNA position 1538, G replaced by A.
Protein change: p.Gly513Glu; replaces glycine 513 with glutamic acid.
Molecular consequence: missense variant.
Genome position (GRCh38, 1-based): chr6:31,950,317, G>A. VCF-style: chr6-31950317-G-A. GRCh37 (hg19) VCF-style: chr6-31918094-G-A.
Other names: short protein forms G513E.
Identifiers: ClinVar variation 1485405 (VCV001485405.6), dbSNP rs1281381675, ClinGen allele CA363407761.

ClinVar aggregate classification (germline): Uncertain significance (1 of 4 stars; one submission).

Submission:

Labcorp Genetics (formerly Invitae), Labcorp
Classification: Uncertain significance. Last evaluated: 2021-11-23. Review status: criteria provided, single submitter. Criteria: Invitae Variant Classification Sherloc (09022015). Collection method: clinical testing. Allele origin: germline.
Comment: In summary, the available evidence is currently insufficient to determine the role of this variant in disease. Therefore, it has been classified as a Variant of Uncertain Significance. Algorithms developed to predict the effect of missense changes on protein structure and function (SIFT, PolyPhen-2, Align-GVGD) all suggest that this variant is likely to be disruptive. This variant has not been reported in the literature in individuals affected with CFB-related conditions. This variant is not present in population databases (gnomAD no frequency). This sequence change replaces glycine, which is neutral and non-polar, with glutamic acid, which is acidic and polar, at codon 513 of the CFB protein (p.Gly513Glu).